The following is an entry in ClinVar:

NM_006009.4(TUBA1A):c.1225G>T (p.Val409Phe)

Gene: TUBA1A (tubulin alpha 1a; minus strand). Cytogenetic location: 12q13.12.
Variant type: single nucleotide variant.
Coding change: c.1225G>T on transcript NM_006009.4 (MANE Select); coding-DNA position 1225, G replaced by T.
Protein change: p.Val409Phe; replaces valine 409 with phenylalanine.
Molecular consequence: missense variant.
Genome position (GRCh38, 1-based): chr12:49,185,141, C>A on the plus strand (G>T on the coding strand, the complement: TUBA1A is on the minus strand). VCF-style: chr12-49185141-C-A. GRCh37 (hg19) VCF-style: chr12-49578924-C-A.
Other names: c.1225G>T, p.Val409Phe (NM_001270399.2); c.1120G>T, p.Val374Phe (NM_001270400.2); short protein forms V374F, V409F.
Identifiers: ClinVar variation 3063674 (VCV003063674.3), dbSNP rs1565626928, ClinGen allele CA384634441.

ClinVar aggregate classification (germline): Pathogenic (1 of 4 stars; one submission).

Conditions:
Lissencephaly type 3. Identifiers: Orphanet 102011, MedGen C1969029, MONDO:0015148.

Submission:

Women's Health and Genetics/Laboratory Corporation of America, LabCorp
Classification: Pathogenic for Lissencephaly type 3. Last evaluated: 2024-02-12. Review status: criteria provided, single submitter. Criteria: LabCorp Variant Classification Summary - May 2015. Collection method: clinical testing. Allele origin: germline.
Comment: Variant summary: TUBA1A c.1225G>T (p.Val409Phe) results in a non-conservative amino acid change in the encoded protein sequence. Five of five in-silico tools predict a damaging effect of the variant on protein function. The variant was absent in 251494 control chromosomes (gnomAD v2.1). The available data on variant occurrences in the general population are insufficient to allow any conclusion about variant significance. The variant, c.1225G>T, has been reported as de novo occurrence in two individuals affected with clinical features of Lissencephaly Due To TUBA1A Mutation (Driver_2018, LCA internal sample). One study reported experimental evidence evaluating an impact on protein function, using patient-derived induced pluripotent stem cells (iPSCs), and demonstrated impaired neural progenitor survival and differentiation with increases in cell death (Driver_2018); these results are consistent with impaired cortical development. In addition, different missense variants affecting the same residue (V409A/I) have also been reported in affected individuals (HGMD), and been classified as Pathogenic/Likely pathogenic in ClinVar by multiple laboratories, supporting a functional importance of this amino acid residue. The following publication has been ascertained in the context of this evaluation (DOI 10.1101/201814). No submitters have cited clinical-significance assessments for this variant to ClinVar. Based on the evidence outlined above, the variant was classified as pathogenic.